The following is an entry in ClinVar:

ClinVar aggregate classification (germline): Likely benign (1 of 4 stars; one submission).

Allele frequency attached by ClinVar (database versions not stated): gnomAD 0.00005; TOPMed 0.00008; ExAC 0.00016.
gnomAD v4.1: 113 of 1,613,558 alleles (0.007%); highest among the groups gnomAD compares: South Asian, 0.061%; 1 homozygote.

Submission:

CeGaT Center for Human Genetics Tuebingen
Classification: Likely benign. Last evaluated: 2022-07-01. Review status: criteria provided, single submitter. Criteria: CeGaT Center For Human Genetics Tuebingen Variant Classification Criteria Version 2. Collection method: clinical testing. Allele origin: germline. Affected: yes. Observed: 1 variant allele.
Comment: ADH1C: BP4, BP7

NM_000669.5(ADH1C):c.1113C>T (p.Thr371=)

Gene: ADH1C (alcohol dehydrogenase 1C (class I), gamma polypeptide; minus strand). Cytogenetic location: 4q23.
Variant type: single nucleotide variant.
Coding change: c.1113C>T on transcript NM_000669.5 (MANE Select); coding-DNA position 1113, C replaced by T.
Protein change: p.Thr371=; no amino-acid change (threonine 371 retained).
Molecular consequence: synonymous variant. On other transcripts: non-coding transcript variant (1).
Genome position (GRCh38, 1-based): chr4:99,336,767, G>A on the plus strand (C>T on the coding strand, the complement: ADH1C is on the minus strand). VCF-style: chr4-99336767-G-A. GRCh37 (hg19) VCF-style: chr4-100257924-G-A.
Identifiers: ClinVar variation 2654963 (VCV002654963.24), dbSNP rs774484394, ClinGen allele CA3020186.